The following is an entry in ClinVar:

ClinVar aggregate classification (germline): Uncertain significance (1 of 4 stars; one submission).

Conditions:
Metachromatic leukodystrophy (MLD). Also called: ARSA DEFICIENCY; CEREBROSIDE SULFATASE DEFICIENCY; METACHROMATIC LEUKOENCEPHALOPATHY; SULFATIDE LIPIDOSIS; Cerebral sclerosis diffuse metachromatic form; Arylsulfatase A Deficiency. Identifiers: Orphanet 512, MedGen C0023522, MONDO:0018868, OMIM 250100.

Submission:

Foundation for Research in Genetics and Endocrinology, FRIGE's Institute of Human Genetics
Classification: Uncertain significance for Metachromatic leukodystrophy. Last evaluated: 2026-09-21. Review status: criteria provided, single submitter. Criteria: ACMG Guidelines, 2015. Collection method: clinical testing. Allele origin: germline. Inheritance: Autosomal recessive inheritance. Affected: yes. Observed: 1 variant allele, 1 homozygote.
Comment: A homozygous missense variant in exon 3 of the ARSA gene that results in the amino acid substitution of Arginine for Proline at codon 197 was detected. The observed variant c.590C>G has not been reported in the 1000 genomes and gnomAD databases. The in-silico prediction of the variant is deleterious by MutationTaster2, DANN and FATHMM. In summary, the variant meets our criteria to be classified as a variant of uncertain significance.

NM_000487.6(ARSA):c.590C>G (p.Pro197Arg)

Gene: ARSA (arylsulfatase A; minus strand). Cytogenetic location: 22q13.33.
Variant type: single nucleotide variant.
Coding change: c.590C>G on transcript NM_000487.6 (MANE Select); coding-DNA position 590, C replaced by G.
Protein change: p.Pro197Arg; replaces proline 197 with arginine.
Molecular consequence: missense variant.
Genome position (GRCh38, 1-based): chr22:50,626,928, G>C on the plus strand (C>G on the coding strand, the complement: ARSA is on the minus strand). VCF-style: chr22-50626928-G-C. GRCh37 (hg19) VCF-style: chr22-51065356-G-C.
Other names: p.Pro197Arg; c.590C>G, p.Pro197Arg (NM_001085425.3, NM_001085426.3, NM_001085427.3); c.332C>G, p.Pro111Arg (NM_001085428.3, NM_001362782.2); short protein forms P111R, P197R.
Identifiers: ClinVar variation 5021443 (VCV005021443.1).
Genomic context (GRCh38, chr22:50,626,928, plus strand): 5'-TGGCGCTGGGCGTCGGCCATGAGGTCATGGGCGAAAGCCATGTAGCGGGCCTCTAGTCCG[G>C]GCAGCCAGGGGGGCTGCGCCTCCACGGACAGGTTGGCCAACAGTGGGATGGGGACCAGGC-3'
Protein context (NP_000478.3, residues 187-207): LSVEAQPPWL[Pro197Arg]GLEARYMAFA